The following is an entry in ClinVar:

NM_053013.4(ENO3):c.1177A>G (p.Ile393Val)

Gene: ENO3 (enolase 3; plus strand). Cytogenetic location: 17p13.2.
Variant type: single nucleotide variant.
Coding change: c.1177A>G on transcript NM_053013.4 (MANE Select); coding-DNA position 1177, A replaced by G.
Protein change: p.Ile393Val; replaces isoleucine 393 with valine.
Molecular consequence: missense variant.
Genome position (GRCh38, 1-based): chr17:4,956,831, A>G. VCF-style: chr17-4956831-A-G. GRCh37 (hg19) VCF-style: chr17-4860126-A-G.
Other names: c.1048A>G, p.Ile350Val (NM_001193503.2); c.1177A>G, p.Ile393Val (NM_001374523.1, NM_001976.5); c.1204A>G, p.Ile402Val (NM_001374524.1); short protein forms I350V, I393V, I402V.
Identifiers: ClinVar variation 2131478 (VCV002131478.4), dbSNP rs766674076, ClinGen allele CA8316592.

ClinVar aggregate classification (germline): Uncertain significance (1 of 4 stars; one submission).

Conditions:
Glycogen storage disease due to muscle beta-enolase deficiency (GSD13). Also called: Glycogen Storage Disease Type XIII; ENOLASE 3 DEFICIENCY; ENOLASE-BETA DEFICIENCY; GSD XIII. Identifiers: Orphanet 99849, MedGen C2752027, MONDO:0013046, OMIM 612932.

gnomAD v4.1: 2 of 1,614,112 alleles (0.00012%); highest among the groups gnomAD compares: Non-Finnish European, 0.00017%; no homozygotes.

Submission:

Labcorp Genetics (formerly Invitae), Labcorp
Classification: Uncertain significance for Glycogen storage disease due to muscle beta-enolase deficiency. Last evaluated: 2022-04-28. Review status: criteria provided, single submitter. Criteria: Invitae Variant Classification Sherloc (09022015). Collection method: clinical testing. Allele origin: germline.
Comment: This sequence change replaces isoleucine, which is neutral and non-polar, with valine, which is neutral and non-polar, at codon 393 of the ENO3 protein (p.Ile393Val). In summary, the available evidence is currently insufficient to determine the role of this variant in disease. Therefore, it has been classified as a Variant of Uncertain Significance. Algorithms developed to predict the effect of missense changes on protein structure and function are either unavailable or do not agree on the potential impact of this missense change (SIFT: "Deleterious"; PolyPhen-2: "Benign"; Align-GVGD: "Class C0"). This variant has not been reported in the literature in individuals affected with ENO3-related conditions. This variant is present in population databases (rs766674076, gnomAD 0.0009%).